The following is an entry in ClinVar:

ClinVar aggregate classification (germline): Uncertain significance (1 of 4 stars; one submission).

gnomAD v4.1: 2 of 1,614,202 alleles (0.00012%); highest among the groups gnomAD compares: Non-Finnish European, 0.000085%; no homozygotes.

Submission:

Ambry Genetics
Classification: Uncertain significance. Last evaluated: 2025-03-02. Review status: criteria provided, single submitter. Criteria: Ambry Variant Classification Scheme 2023. Collection method: clinical testing. Allele origin: germline.
Comment: The p.R1049C variant (also known as c.3145C>T), located in coding exon 12 of the CDK12 gene, results from a C to T substitution at nucleotide position 3145. The arginine at codon 1049 is replaced by cysteine, an amino acid with highly dissimilar properties. This amino acid position is conserved. In addition, the in silico prediction for this alteration is inconclusive. Based on the available evidence, the clinical significance of this variant remains unclear.

NM_016507.4(CDK12):c.3145C>T (p.Arg1049Cys)

Gene: CDK12 (cyclin dependent kinase 12; plus strand). Cytogenetic location: 17q12.
Variant type: single nucleotide variant.
Coding change: c.3145C>T on transcript NM_016507.4 (MANE Select); coding-DNA position 3145, C replaced by T.
Protein change: p.Arg1049Cys; replaces arginine 1049 with cysteine.
Molecular consequence: missense variant.
Genome position (GRCh38, 1-based): chr17:39,524,723, C>T. VCF-style: chr17-39524723-C-T. GRCh37 (hg19) VCF-style: chr17-37680976-C-T.
Other names: c.3145C>T, p.Arg1049Cys (NM_015083.4); short protein forms R1049C.
Identifiers: ClinVar variation 3830737 (VCV003830737.1).